The following is an entry in ClinVar:

NM_014049.4(ACAD9):c.[1298G>A];[151-2A>G]

Variant type: CompoundHeterozygote.
Identifiers: ClinVar variation 424748 (VCV000424748.3).

ClinVar aggregate classification (germline): Pathogenic (0 of 4 stars; one submission).

Conditions:
Acyl-CoA dehydrogenase 9 deficiency. Also called: Acyl-CoA dehydrogenase family, member 9, deficiency of; MITOCHONDRIAL COMPLEX I DEFICIENCY, NUCLEAR TYPE 20. Identifiers: Orphanet 99901, MedGen C4747517, MONDO:0012624, OMIM 611126.

Submission:

Institut IMAGINE, Institut National de la Sante et de la Recherche Medicale
Classification: Pathogenic for cardiac hypertrophy. Last evaluated: 2015-08-27. Review status: no assertion criteria provided. Collection method: clinical testing. Allele origin: germline. Inheritance: Autosomal recessive inheritance. Affected: yes. Observed: 1 variant allele.
Comment: predicted to be deleterious using three different prediction softwares, namely SIFT, MutationTaster and Polyphen-2